The following is an entry in ClinVar:

NM_001276270.2(MBD4):c.1003A>G (p.Lys335Glu)

Gene: MBD4 (methyl-CpG binding domain 4, DNA glycosylase; minus strand). Cytogenetic location: 3q21.3.
Variant type: single nucleotide variant.
Coding change: c.1003A>G on transcript NM_001276270.2 (MANE Select); coding-DNA position 1003, A replaced by G.
Protein change: p.Lys335Glu; replaces lysine 335 with glutamic acid.
Molecular consequence: missense variant. On other transcripts: intron variant (1).
Genome position (GRCh38, 1-based): chr3:129,436,641, T>C on the plus strand (A>G on the coding strand, the complement: MBD4 is on the minus strand). VCF-style: chr3-129436641-T-C. GRCh37 (hg19) VCF-style: chr3-129155484-T-C.
Other names: c.1003A>G, p.Lys335Glu (NM_001276271.2, NM_001276272.2, NM_003925.3); c.247+1167A>G (NM_001276273.2); short protein forms K335E.
Identifiers: ClinVar variation 2785454 (VCV002785454.4), dbSNP rs2530718733, ClinGen allele CA354466772.

ClinVar aggregate classification (germline): Uncertain significance. Review status: criteria provided, multiple submitters, no conflicts (2 of 4 stars). 2 submissions from 2 submitters: Uncertain significance (2). Last evaluated 2025-10-21.

Conditions:
Inborn genetic diseases. Identifiers: MedGen C0950123, MeSH D030342.

gnomAD v4.1: 4 of 1,614,166 alleles (0.00025%); highest among the groups gnomAD compares: Non-Finnish European, 0.00034%; no homozygotes.

Submissions (2):

Ambry Genetics
Classification: Uncertain significance for Inborn genetic diseases. Last evaluated: 2025-10-21. Review status: criteria provided, single submitter. Criteria: Ambry Variant Classification Scheme 2023. Collection method: clinical testing. Allele origin: germline.
Comment: The p.K335E variant (also known as c.1003A>G), located in coding exon 3 of the MBD4 gene, results from an A to G substitution at nucleotide position 1003. The lysine at codon 335 is replaced by glutamic acid, an amino acid with similar properties. This amino acid position is conserved. In addition, this alteration is predicted to be tolerated by in silico analysis. Based on the available evidence, the clinical significance of this variant remains unclear.

Labcorp Genetics (formerly Invitae), Labcorp
Classification: Uncertain significance. Last evaluated: 2025-05-23. Review status: criteria provided, single submitter. Criteria: Invitae Variant Classification Sherloc (09022015). Collection method: clinical testing. Allele origin: germline.
Comment: This sequence change replaces lysine, which is basic and polar, with glutamic acid, which is acidic and polar, at codon 335 of the MBD4 protein (p.Lys335Glu). This variant is not present in population databases (gnomAD no frequency). This variant has not been reported in the literature in individuals affected with MBD4-related conditions. ClinVar contains an entry for this variant (Variation ID: 2785454). An algorithm developed to predict the effect of missense changes on protein structure and function (PolyPhen-2) suggests that this variant is likely to be tolerated. In summary, the available evidence is currently insufficient to determine the role of this variant in disease. Therefore, it has been classified as a Variant of Uncertain Significance.